The following is an entry in ClinVar:

ClinVar aggregate classification (germline): Likely pathogenic (1 of 4 stars; one submission).

Conditions:
LAMA2-related muscular dystrophy (LAMA2-RD). Also called: Laminin alpha 2-related dystrophy. Identifiers: MedGen C5679788, MONDO:0100228.

Submission:

Myriad Genetics, Inc.
Classification: Likely pathogenic for LAMA2-related muscular dystrophy. Last evaluated: 2021-12-02. Review status: criteria provided, single submitter. Criteria: Myriad Autosomal Dominant, Autosomal Recessive and X-Linked Classification Criteria (2023). Collection method: clinical testing. Allele origin: unknown.
Comment: NM_000426.3(LAMA2):c.8597_8598insAA(S2867Ifs*37) is expected to be pathogenic in the context of muscular dystrophy, LAMA2-related. This variant is predicted to lead to an abnormal or absent protein product due to the creation of a premature termination codon in LAMA2, a gene where loss-of-function variants are known to be pathogenic. Please note: this variant was assessed in the context of healthy population screening.

NM_000426.4(LAMA2):c.8597_8598insAA (p.Ser2867fs)

Gene: LAMA2 (laminin subunit alpha 2; plus strand). Cytogenetic location: 6q22.33.
Variant type: Insertion.
Coding change: c.8597_8598insAA on transcript NM_000426.4 (MANE Select); coding-DNA positions 8597 to 8598, AA inserted.
Protein change: p.Ser2867fs; shifts the reading frame from serine 2867.
Molecular consequence: frameshift variant.
Genome position: GRCh38 VCF-style: chr6-129505249-C-CAA. GRCh37 (hg19) VCF-style: chr6-129826394-C-CAA.
Other names: c.8585_8586insAA, p.Ser2863fs (NM_001079823.2); short protein forms S2863fs, S2867fs.
Identifiers: ClinVar variation 1725226 (VCV001725226.3), dbSNP rs2533549852, ClinGen allele CA2580075018.